The following is an entry in ClinVar:

ClinVar aggregate classification (germline): Uncertain significance (1 of 4 stars; one submission).

gnomAD v4.1: 9 of 1,613,666 alleles (0.00056%); highest among the groups gnomAD compares: Non-Finnish European, 0.00068%; no homozygotes.

Submission:

Labcorp Genetics (formerly Invitae), Labcorp
Classification: Uncertain significance. Last evaluated: 2024-03-15. Review status: criteria provided, single submitter. Criteria: Invitae Variant Classification Sherloc (09022015). Collection method: clinical testing. Allele origin: germline.
Comment: This sequence change replaces glutamic acid, which is acidic and polar, with glutamine, which is neutral and polar, at codon 467 of the NFKB1 protein (p.Glu467Gln). This variant is not present in population databases (gnomAD no frequency). This variant has not been reported in the literature in individuals affected with NFKB1-related conditions. An algorithm developed to predict the effect of missense changes on protein structure and function (PolyPhen-2) suggests that this variant is likely to be tolerated. In summary, the available evidence is currently insufficient to determine the role of this variant in disease. Therefore, it has been classified as a Variant of Uncertain Significance.

NM_003998.4(NFKB1):c.1399G>C (p.Glu467Gln)

Gene: NFKB1 (nuclear factor kappa B subunit 1; plus strand). Cytogenetic location: 4q24.
Variant type: single nucleotide variant.
Coding change: c.1399G>C on transcript NM_003998.4 (MANE Select); coding-DNA position 1399, G replaced by C.
Protein change: p.Glu467Gln; replaces glutamic acid 467 with glutamine.
Molecular consequence: missense variant.
Genome position (GRCh38, 1-based): chr4:102,596,236, G>C. VCF-style: chr4-102596236-G-C. GRCh37 (hg19) VCF-style: chr4-103517393-G-C.
Other names: c.1399G>C, p.Glu467Gln (NM_001382625.1, NM_001382626.1); c.1396G>C, p.Glu466Gln (NM_001382627.1, NM_001165412.2, NM_001319226.2); c.1357G>C, p.Glu453Gln (NM_001382628.1); short protein forms E453Q, E466Q, E467Q.
Identifiers: ClinVar variation 3623613 (VCV003623613.2).